The following is an entry in ClinVar:

NM_000222.3(KIT):c.2077A>C (p.Lys693Gln)

Gene: KIT (KIT proto-oncogene, receptor tyrosine kinase; plus strand). Cytogenetic location: 4q12.
Variant type: single nucleotide variant.
Coding change: c.2077A>C on transcript NM_000222.3 (MANE Select); coding-DNA position 2077, A replaced by C.
Protein change: p.Lys693Gln; replaces lysine 693 with glutamine.
Molecular consequence: missense variant.
Genome position (GRCh38, 1-based): chr4:54,729,421, A>C. VCF-style: chr4-54729421-A-C. GRCh37 (hg19) VCF-style: chr4-55595587-A-C.
Other names: c.2065A>C, p.Lys689Gln (NM_001093772.2, NM_001385286.1); c.2080A>C, p.Lys694Gln (NM_001385284.1, NM_001385290.1); c.2077A>C, p.Lys693Gln (NM_001385285.1); c.2068A>C, p.Lys690Gln (NM_001385288.1, NM_001385292.1); short protein forms K689Q, K694Q, K690Q, K693Q.
Identifiers: ClinVar variation 4775925 (VCV004775925.2).

ClinVar aggregate classification (germline): Uncertain significance. Review status: criteria provided, multiple submitters, no conflicts (2 of 4 stars). 2 submissions from 2 submitters: Uncertain significance (2). Last evaluated 2026-07-07.

Conditions:
Gastrointestinal stromal tumor. Also called: Gastrointestinal stroma tumor; Gastrointestinal stromal tumor, somatic. Identifiers: Orphanet 44890, MedGen C0238198, MeSH D046152, MONDO:0011719, OMIM 606764, HP:0100723.
Hereditary cancer-predisposing syndrome. Also called: Hereditary Cancer Syndrome; Hereditary neoplastic syndrome; Neoplastic Syndromes, Hereditary; Tumor predisposition. Identifiers: Orphanet 140162, MedGen C0027672, MeSH D009386, MONDO:0015356.

Submissions (2):

Ambry Genetics
Classification: Uncertain significance for Hereditary cancer-predisposing syndrome. Last evaluated: 2026-07-07. Review status: criteria provided, single submitter. Criteria: Ambry Variant Classification Scheme 2023. Collection method: clinical testing. Allele origin: germline.
Comment: The p.K693Q variant (also known as c.2077A>C), located in coding exon 14 of the KIT gene, results from an A to C substitution at nucleotide position 2077. The lysine at codon 693 is replaced by glutamine, an amino acid with similar properties. This amino acid position is conserved. In addition, the in silico prediction for this alteration is inconclusive. Based on the available evidence, the clinical significance of this variant remains unclear.

Labcorp Genetics (formerly Invitae), Labcorp
Classification: Uncertain significance for Gastrointestinal stromal tumor. Last evaluated: 2025-06-22. Review status: criteria provided, single submitter. Criteria: Invitae Variant Classification Sherloc (09022015). Collection method: clinical testing. Allele origin: germline.
Comment: This sequence change replaces lysine, which is basic and polar, with glutamine, which is neutral and polar, at codon 693 of the KIT protein (p.Lys693Gln). This variant is not present in population databases (gnomAD no frequency). This variant has not been reported in the literature in individuals affected with KIT-related conditions. An algorithm developed to predict the effect of missense changes on protein structure and function (PolyPhen-2) suggests that this variant is likely to be disruptive. Algorithms developed to predict the effect of sequence changes on RNA splicing suggest that this variant may create or strengthen a splice site. In summary, the available evidence is currently insufficient to determine the role of this variant in disease. Therefore, it has been classified as a Variant of Uncertain Significance.